The following is an entry in ClinVar:

NM_020765.3(UBR4):c.3644-8G>A

Gene: UBR4 (ubiquitin protein ligase E3 component n-recognin 4; minus strand). Cytogenetic location: 1p36.13.
Variant type: single nucleotide variant.
Coding change: c.3644-8G>A on transcript NM_020765.3 (MANE Select); 8 bases into the intron before coding-DNA position 3644, G replaced by A.
Molecular consequence: intron variant.
Genome position (GRCh38, 1-based): chr1:19,169,540, C>T on the plus strand (G>A on the coding strand, the complement: UBR4 is on the minus strand). VCF-style: chr1-19169540-C-T. GRCh37 (hg19) VCF-style: chr1-19496034-C-T.
Identifiers: ClinVar variation 738555 (VCV000738555.5), dbSNP rs373615451, ClinGen allele CA651058.

ClinVar aggregate classification (germline): Likely benign. Review status: criteria provided, single submitter (1 of 4 stars). 2 submissions from 2 submitters: Likely benign (1). 1 of the submissions does not count toward it. Last evaluated 2018-03-29.

Conditions:
UBR4-related disorder. Also called: UBR4-related condition.

Allele frequency attached by ClinVar (database versions not stated): gnomAD exomes 0.00005 and 0.00015; ExAC 0.00017; ESP Exome Variant Server 0.00046; 1000 Genomes Project 30x 0.00047; 1000 Genomes Project 0.00060; gnomAD 0.00068 and 0.00074; TOPMed 0.00072.
gnomAD v4.1: 182 of 1,610,394 alleles (0.011%); highest among the groups gnomAD compares: African/African-American, 0.21%; 1 homozygote.

Submissions (2):

Labcorp Genetics (formerly Invitae), Labcorp
Classification: Likely benign. Last evaluated: 2018-03-29. Review status: criteria provided, single submitter. Criteria: Invitae Variant Classification Sherloc (09022015). Collection method: clinical testing. Allele origin: germline.

PreventionGenetics, part of Exact Sciences
Classification: Likely benign for UBR4-related condition. Last evaluated: 2019-09-04. Review status: no assertion criteria provided. Collection method: clinical testing. Allele origin: germline. Not counted in ClinVar's aggregate classification.
Comment: This variant is classified as likely benign based on ACMG/AMP sequence variant interpretation guidelines (Richards et al. 2015 PMID: 25741868, with internal and published modifications).